The following is an entry in ClinVar:

ClinVar aggregate classification (germline): Pathogenic (1 of 4 stars; one submission).

Conditions:
Fanconi anemia (FA). Also called: Fanconi's anemia. Identifiers: Orphanet 84, MedGen C0015625, MeSH D005199, MONDO:0019391.

Allele frequency attached by ClinVar (database versions not stated): gnomAD exomes below 0.00001.
gnomAD v4.1: 1 of 1,580,302 alleles (0.000063%); highest among the groups gnomAD compares: Non-Finnish European, 0.000086%; no homozygotes.

Submission:

Labcorp Genetics (formerly Invitae), Labcorp
Classification: Pathogenic for Fanconi anemia. Last evaluated: 2025-05-12. Review status: criteria provided, single submitter. Criteria: Invitae Variant Classification Sherloc (09022015). Collection method: clinical testing. Allele origin: germline.
Comment: This sequence change creates a premature translational stop signal (p.Glu1431*) in the SLX4 gene. It is expected to result in an absent or disrupted protein product. Loss-of-function variants in SLX4 are known to be pathogenic (PMID: 21240277). This variant is not present in population databases (gnomAD no frequency). This variant has not been reported in the literature in individuals affected with SLX4-related conditions. ClinVar contains an entry for this variant (Variation ID: 2902180). For these reasons, this variant has been classified as Pathogenic.

Literature cited by the submitters: PubMed 21240277.

NM_032444.4(SLX4):c.4291G>T (p.Glu1431Ter)

Gene: SLX4 (SLX4 structure-specific endonuclease subunit; minus strand). Cytogenetic location: 16p13.3.
Variant type: single nucleotide variant.
Coding change: c.4291G>T on transcript NM_032444.4 (MANE Select); coding-DNA position 4291, G replaced by T.
Protein change: p.Glu1431Ter; replaces glutamic acid 1431 with a stop codon.
Molecular consequence: nonsense.
Genome position (GRCh38, 1-based): chr16:3,589,347, C>A on the plus strand (G>T on the coding strand, the complement: SLX4 is on the minus strand). VCF-style: chr16-3589347-C-A. GRCh37 (hg19) VCF-style: chr16-3639348-C-A.
Other names: short protein forms E1431*.
Identifiers: ClinVar variation 2902180 (VCV002902180.3), dbSNP rs2548211210, ClinGen allele CA394517437.